The following is an entry in ClinVar:

NC_000016.10:g.68829654del

Gene: CDH1 (cadherin 1; plus strand). Cytogenetic location: 16q22.1.
Variant type: Deletion.
Genome position: GRCh38 VCF-style: chr16-68829652-AG-A. GRCh37 (hg19) VCF-style: chr16-68863555-AG-A.
Identifiers: ClinVar variation 1069664 (VCV001069664.7), dbSNP rs2152142199, ClinGen allele CA2499223675.

ClinVar aggregate classification (germline): Pathogenic (1 of 4 stars; one submission).

Conditions:
Hereditary diffuse gastric adenocarcinoma (HDGC). Also called: DIFFUSE GASTRIC AND LOBULAR BREAST CANCER SYNDROME. Identifiers: Orphanet 26106, MedGen C1708349, MONDO:0007648, OMIM 137215.

Submission:

Labcorp Genetics (formerly Invitae), Labcorp
Classification: Pathogenic for Hereditary diffuse gastric adenocarcinoma. Last evaluated: 2020-09-19. Review status: criteria provided, single submitter. Criteria: Invitae Variant Classification Sherloc (09022015). Collection method: clinical testing. Allele origin: germline.
Comment: For these reasons, this variant has been classified as Pathogenic. Loss-of-function variants in CDH1 are known to be pathogenic (PMID: 15235021, 20373070). Algorithms developed to predict the effect of sequence changes on RNA splicing suggest that this variant may disrupt the consensus splice site, but this prediction has not been confirmed by published transcriptional studies. This variant has not been reported in the literature in individuals with CDH1-related conditions. This variant is not present in population databases (ExAC no frequency). This sequence change creates a premature translational stop signal (p.Asp766Thrfs*4) in the CDH1 gene. It is expected to result in an absent or disrupted protein product.

Literature cited by the submitters: PubMed 15235021; PubMed 20373070.